The following is an entry in ClinVar:

ClinVar aggregate classification (germline): Conflicting classifications of pathogenicity. Review status: criteria provided, conflicting classifications (1 of 4 stars). 5 submissions from 5 submitters: Uncertain significance (4); Likely benign (1). Last evaluated 2026-09-08.

Conditions:
Childhood neoplasm. Identifiers: MedGen C1368871, MONDO:0021079.
Hereditary cancer-predisposing syndrome. Also called: Neoplastic Syndromes, Hereditary; Hereditary Cancer Syndrome; Hereditary neoplastic syndrome; Tumor predisposition. Identifiers: Orphanet 140162, MedGen C0027672, MeSH D009386, MONDO:0015356.
Peutz-Jeghers syndrome (PJS). Also called: POLYPOSIS, HAMARTOMATOUS INTESTINAL; POLYPS-AND-SPOTS SYNDROME; Peutz-Jeghers polyposis; Periorificial lentiginosis syndrome. Identifiers: Orphanet 2869, MedGen C0031269, MeSH D010580, MONDO:0008280, OMIM 175200.

gnomAD v4.1: 3 of 1,609,432 alleles (0.00019%); highest among the groups gnomAD compares: Non-Finnish European, 0.00025%; no homozygotes.

Submissions (5):

Ambry Genetics
Classification: Likely benign for Hereditary cancer-predisposing syndrome. Last evaluated: 2026-09-08. Review status: criteria provided, single submitter. Criteria: Ambry Variant Classification Scheme 2023. Collection method: clinical testing. Allele origin: germline.

Color Diagnostics, LLC DBA Color Health
Classification: Uncertain significance for Hereditary cancer-predisposing syndrome. Last evaluated: 2025-06-30. Review status: criteria provided, single submitter. Criteria: ACMG Guidelines, 2015. Collection method: clinical testing. Allele origin: germline.
Comment: This missense variant replaces asparagine with lysine at codon 393 of the STK11 protein. Computational prediction suggests that this variant may not impact protein structure and function. To our knowledge, functional studies have not been reported for this variant. This variant has not been reported in individuals affected with STK11-related disorders in the literature. This variant has not been identified in the general population by the Genome Aggregation Database (gnomAD). The available evidence is insufficient to determine the role of this variant in disease conclusively. Therefore, this variant is classified as a Variant of Uncertain Significance.

Labcorp Genetics (formerly Invitae), Labcorp
Classification: Uncertain significance for Peutz-Jeghers syndrome. Last evaluated: 2024-10-01. Review status: criteria provided, single submitter. Criteria: Invitae Variant Classification Sherloc (09022015). Collection method: clinical testing. Allele origin: germline.
Comment: This sequence change replaces asparagine, which is neutral and polar, with lysine, which is basic and polar, at codon 393 of the STK11 protein (p.Asn393Lys). This variant is not present in population databases (gnomAD no frequency). This variant has not been reported in the literature in individuals affected with STK11-related conditions. ClinVar contains an entry for this variant (Variation ID: 573206). Invitae Evidence Modeling of protein sequence and biophysical properties (such as structural, functional, and spatial information, amino acid conservation, physicochemical variation, residue mobility, and thermodynamic stability) indicates that this missense variant is not expected to disrupt STK11 protein function with a negative predictive value of 95%. In summary, the available evidence is currently insufficient to determine the role of this variant in disease. Therefore, it has been classified as a Variant of Uncertain Significance.

Genome-Nilou Lab
Classification: Uncertain significance for Peutz-Jeghers syndrome. Last evaluated: 2021-07-15. Review status: criteria provided, single submitter. Criteria: ACMG Guidelines, 2015. Collection method: clinical testing. Allele origin: germline. Affected: no.

Cambridge Genomics Laboratory, East Genomic Laboratory Hub, NHS Genomic Medicine Service
Classification: Uncertain significance for Childhood neoplasm. Last evaluated: 2020-07-13. Review status: criteria provided, single submitter. Criteria: ACGS Best Practice Guidelines for Variant Classification in Rare Disease 2020. Collection method: clinical testing. Allele origin: germline. Affected: yes. Observed: 1 variant allele.

NM_000455.5(STK11):c.1179C>G (p.Asn393Lys)

Gene: STK11 (serine/threonine kinase 11; plus strand). Cytogenetic location: 19p13.3.
Variant type: single nucleotide variant.
Coding change: c.1179C>G on transcript NM_000455.5 (MANE Select); coding-DNA position 1179, C replaced by G.
Protein change: p.Asn393Lys; replaces asparagine 393 with lysine.
Molecular consequence: missense variant.
Genome position (GRCh38, 1-based): chr19:1,226,524, C>G. VCF-style: chr19-1226524-C-G. GRCh37 (hg19) VCF-style: chr19-1226523-C-G.
Other names: short protein forms N393K.
Identifiers: ClinVar variation 573206 (VCV000573206.18), dbSNP rs863224360, ClinGen allele CA402953554.
Genomic context (GRCh38, chr19:1,226,524, plus strand): 5'-AGAAGAGGAGGCCAGTCACAATGGACAGCGCCGGGGCCTCCCCAAGGCCGTGTGTATGAA[C>G]GGCACAGAGGCGGCGCAGCTGAGCACCAAATCCAGGGCGGAGGGCCGGGCCCCCAACCCT-3'
Protein context (NP_000446.1, residues 383-403): RRGLPKAVCM[Asn393Lys]GTEAAQLSTK